The following is an entry in ClinVar:

NM_000180.4(GUCY2D):c.1809del (p.Ala604fs)

Gene: GUCY2D (guanylate cyclase 2D, retinal; plus strand). Cytogenetic location: 17p13.1.
Variant type: Deletion.
Coding change: c.1809del on transcript NM_000180.4 (MANE Select); coding-DNA position 1809, one base deleted (A; older notation c.1809delA).
Protein change: p.Ala604fs; shifts the reading frame from alanine 604.
Molecular consequence: frameshift variant.
Genome position (GRCh38, 1-based): chr17:8,012,203, A deleted. VCF-style (leftmost placement, unchanged base first): chr17-8012202-GA-G. GRCh37 (hg19) VCF-style: chr17-7915520-GA-G.
Other names: short protein forms A604fs.
Identifiers: ClinVar variation 1691640 (VCV001691640.3), dbSNP rs754431996, ClinGen allele CA8365907.

ClinVar aggregate classification (germline): Likely pathogenic (1 of 4 stars; one submission).

Allele frequency attached by ClinVar (database versions not stated): gnomAD exomes below 0.00001 and 0.00001; TOPMed below 0.00001; ExAC 0.00001.

Submission:

GeneDx
Classification: Likely pathogenic. Last evaluated: 2021-12-09. Review status: criteria provided, single submitter. Criteria: GeneDx Variant Classification Process June 2021. Collection method: clinical testing. Allele origin: germline. Affected: yes.
Comment: Frameshift variant predicted to result in protein truncation or nonsense mediated decay in a gene for which loss-of-function is a known mechanism of disease; Has not been previously published as pathogenic or benign to our knowledge